The following is an entry in ClinVar:

NM_000412.5(HRG):c.167C>T (p.Ala56Val)

Gene: HRG (histidine rich glycoprotein; plus strand). Cytogenetic location: 3q27.3.
Variant type: single nucleotide variant.
Coding change: c.167C>T on transcript NM_000412.5 (MANE Select); coding-DNA position 167, C replaced by T.
Protein change: p.Ala56Val; replaces alanine 56 with valine.
Molecular consequence: missense variant.
Genome position (GRCh38, 1-based): chr3:186,666,198, C>T. VCF-style: chr3-186666198-C-T. GRCh37 (hg19) VCF-style: chr3-186383987-C-T.
Other names: short protein forms A56V.
Identifiers: ClinVar variation 3068870 (VCV003068870.3), dbSNP rs149992908, ClinGen allele CA2745559.

ClinVar aggregate classification (germline): Likely benign (1 of 4 stars; one submission).

Allele frequency attached by ClinVar (database versions not stated): ExAC 0.00057; gnomAD 0.00078; 1000 Genomes Project 0.00080; 1000 Genomes Project 30x 0.00094; TOPMed 0.00109; ESP Exome Variant Server 0.00115; gnomAD exomes 0.00147.
gnomAD v4.1: 2,248 of 1,613,882 alleles (0.14%); highest among the groups gnomAD compares: Non-Finnish European, 0.18%; 3 homozygotes.

Submission:

Women's Health and Genetics/Laboratory Corporation of America, LabCorp
Classification: Likely benign. Last evaluated: 2025-12-26. Review status: criteria provided, single submitter. Criteria: LabCorp Variant Classification Summary - May 2015. Collection method: clinical testing. Allele origin: germline.
Comment: Variant summary: HRG c.167C>T (p.Ala56Val) results in a non-conservative amino acid change located in the Cystatin domain (IPR000010) of the encoded protein sequence. Algorithms developed to predict the effect of missense changes on protein structure and function are either unavailable or do not agree on the potential impact of this missense change. The variant allele was found at a frequency of 0.00073 in 251156 control chromosomes, predominantly at a frequency of 0.0012 within the Non-Finnish European subpopulation in the gnomAD database. The observed variant frequency within Non-Finnish European control individuals in the gnomAD database exceeds the estimated maximal expected allele frequency for disease-causing variants in HRG. c.167C>T has been observed in an individual(s) affected with pulmonary arterial hypertension, without strong evidence for causality (Song_2016). This report does not provide unequivocal conclusions about association of the variant with Hereditary Thrombophilia Due To Congenital Histidine-Rich (poly-L) Glycoprotein Deficiency. To our knowledge, no experimental evidence demonstrating an impact on protein function has been reported. The following publication have been ascertained in the context of this evaluation (PMID: 27613157). ClinVar contains an entry for this variant (Variation ID: 3068870). Based on the evidence outlined above, the variant was classified as likely benign.

Literature cited by the submitters: PubMed 27613157.